The following is an entry in ClinVar:

ClinVar aggregate classification (germline): Uncertain significance (1 of 4 stars; one submission).

Allele frequency attached by ClinVar (database versions not stated): gnomAD 0.00001; TOPMed 0.00001.
gnomAD v4.1: 3 of 1,613,696 alleles (0.00019%); highest among the groups gnomAD compares: Non-Finnish European, 0.00025%; no homozygotes.

Submission:

Labcorp Genetics (formerly Invitae), Labcorp
Classification: Uncertain significance. Last evaluated: 2024-07-12. Review status: criteria provided, single submitter. Criteria: Invitae Variant Classification Sherloc (09022015). Collection method: clinical testing. Allele origin: germline.
Comment: This sequence change replaces valine, which is neutral and non-polar, with glycine, which is neutral and non-polar, at codon 668 of the RIPK1 protein (p.Val668Gly). This variant is not present in population databases (gnomAD no frequency). This variant has not been reported in the literature in individuals affected with RIPK1-related conditions. ClinVar contains an entry for this variant (Variation ID: 1955018). An algorithm developed to predict the effect of missense changes on protein structure and function (PolyPhen-2) suggests that this variant is likely to be tolerated. In summary, the available evidence is currently insufficient to determine the role of this variant in disease. Therefore, it has been classified as a Variant of Uncertain Significance.

NM_001354930.2(RIPK1):c.2003T>G (p.Val668Gly)

Gene: RIPK1 (receptor interacting serine/threonine kinase 1; plus strand). Cytogenetic location: 6p25.2.
Variant type: single nucleotide variant.
Coding change: c.2003T>G on transcript NM_001354930.2 (MANE Select); coding-DNA position 2003, T replaced by G.
Protein change: p.Val668Gly; replaces valine 668 with glycine.
Molecular consequence: missense variant.
Genome position (GRCh38, 1-based): chr6:3,113,326, T>G. VCF-style: chr6-3113326-T-G. GRCh37 (hg19) VCF-style: chr6-3113560-T-G.
Other names: c.1514T>G, p.Val505Gly (NM_001317061.3, NM_001354932.2, NM_001354933.2 and 1 more transcripts); c.1865T>G, p.Val622Gly (NM_001354931.2); c.2003T>G, p.Val668Gly (NM_003804.6); short protein forms V622G, V668G, V505G.
Identifiers: ClinVar variation 1955018 (VCV001955018.5), dbSNP rs1212508869, ClinGen allele CA362579576.
Genomic context (GRCh38, chr6:3,113,326, plus strand): 5'-AGCTGGCCCAGGCGCTCCACCAGTGTTCCAGGATCGACCTTCTGAGCAGCTTGATTTACG[T>G]CAGCCAGAACTAACCCTGGATGGGCTACGGCAGCTGAAGTGGACGCCTCACTTAGTGGAT-3'
Protein context (NP_001341859.1, residues 658-671): RIDLLSSLIY[Val668Gly]SQN